The following is an entry in ClinVar:

ClinVar aggregate classification (germline): Uncertain significance. Review status: criteria provided, multiple submitters, no conflicts (2 of 4 stars). 2 submissions from 2 submitters: Uncertain significance (2). Last evaluated 2025-09-17.

Conditions:
Intellectual developmental disorder, X-linked 1. Also called: Atkin Flaitz Patil Smith syndrome; MENTAL RETARDATION, X-LINKED 18; MENTAL RETARDATION, X-LINKED 78; Intellectual disability, X-linked 1. Identifiers: Orphanet 777, MedGen C2931498, MONDO:0010656, OMIM 309530.

Submissions (2):

Labcorp Genetics (formerly Invitae), Labcorp
Classification: Uncertain significance for Intellectual developmental disorder, X-linked 1. Last evaluated: 2025-09-17. Review status: criteria provided, single submitter. Criteria: Invitae Variant Classification Sherloc (09022015). Collection method: clinical testing. Allele origin: germline.
Comment: This variant, c.3938_3949del, results in the deletion of 4 amino acid(s) of the IQSEC2 protein (p.Ala1313_Val1316del), but otherwise preserves the integrity of the reading frame. This variant is not present in population databases (gnomAD no frequency). This variant has not been reported in the literature in individuals affected with IQSEC2-related conditions. Experimental studies and prediction algorithms are not available or were not evaluated, and the functional significance of this variant is currently unknown. In summary, the available evidence is currently insufficient to determine the role of this variant in disease. Therefore, it has been classified as a Variant of Uncertain Significance.

Blueprint Genetics
Classification: Uncertain significance. Last evaluated: 2021-06-01. Review status: criteria provided, single submitter. Criteria: ACMG Guidelines, 2015. Collection method: clinical testing. Allele origin: germline.

NM_001111125.3(IQSEC2):c.3938_3949del (p.Ala1313_Val1316del)

Gene: IQSEC2 (IQ motif and Sec7 domain ArfGEF 2; minus strand). Cytogenetic location: Xp11.22.
Variant type: Deletion.
Coding change: c.3938_3949del on transcript NM_001111125.3 (MANE Select); coding-DNA positions 3938 to 3949, 12 bases deleted (CCCCACCTGTGG).
Protein change: p.Ala1313_Val1316del.
Molecular consequence: 3 prime UTR variant (on NM_001410736.1). On other transcripts: intron variant (2).
Genome position (GRCh38, 1-based): chrX:53,234,737-53,234,748, CCACAGGTGGGG deleted on the plus strand (CCCCACCTGTGG on the coding strand, the reverse complement: IQSEC2 is on the minus strand); deleting any 12 consecutive bases within chrX:53,234,737-53,234,749 gives the same sequence; the c. name uses the placement nearest the transcript's 3' end. VCF-style (leftmost placement, unchanged base first): chrX-53234736-CCCACAGGTGGGG-C. GRCh37 (hg19) VCF-style: chrX-53263918-CCCACAGGTGGGG-C.
Other names: c.*423_*434del (NM_001410736.1, NM_001441093.1, NM_001441094.1 and 1 more transcripts); c.3451+1574_3451+1585del (NM_001441092.1); c.2740+1574_2740+1585del (NM_001441095.1).
Identifiers: ClinVar variation 4768599 (VCV004768599.2).
Genomic context (GRCh38, chrX:53,234,736, plus strand): 5'-CCCAAGGTATAGTGTTGGGGCCCTGGGACTGGGCCATGGGCGTGGAAGTGGCGATGTGGC[CCCACAGGTGGGG>C]CTGAGGCGGGAGGCGGTGGAATGGAGCCCAGCTGGGGCAAGGGTGGGGGCTGCTGGGGAG-3'